The following is an entry in ClinVar:

NM_004415.4(DSP):c.6181C>A (p.Pro2061Thr)

Gene: DSP (desmoplakin; plus strand). Cytogenetic location: 6p24.3.
Variant type: single nucleotide variant.
Coding change: c.6181C>A on transcript NM_004415.4 (MANE Select); coding-DNA position 6181, C replaced by A.
Protein change: p.Pro2061Thr; replaces proline 2061 with threonine.
Molecular consequence: missense variant.
Genome position (GRCh38, 1-based): chr6:7,583,443, C>A. VCF-style: chr6-7583443-C-A. GRCh37 (hg19) VCF-style: chr6-7583676-C-A.
Other names: c.4384C>A, p.Pro1462Thr (NM_001008844.3); c.4852C>A, p.Pro1618Thr (NM_001319034.2); short protein forms P1462T, P1618T, P2061T.
Identifiers: ClinVar variation 3894219 (VCV003894219.1).

ClinVar aggregate classification (germline): Uncertain significance (1 of 4 stars; one submission).

Conditions:
Cardiomyopathy (CMYO). Also called: Cardiomyopathies. Identifiers: Orphanet 167848, MedGen C0878544, MONDO:0004994, HP:0001638. Inheritance: Various modes of inheritance.

Submission:

Color Diagnostics, LLC DBA Color Health
Classification: Uncertain significance for Cardiomyopathy. Last evaluated: 2025-01-19. Review status: criteria provided, single submitter. Criteria: ACMG Guidelines, 2015. Collection method: clinical testing. Allele origin: germline.
Comment: This missense variant replaces proline with threonine at codon 2061 of the DSP protein. Computational prediction suggests that this variant may have deleterious impact on protein structure and function (internally defined REVEL score threshold >= 0.7, PMID: 27666373). To our knowledge, functional studies have not been reported for this variant. This variant has not been reported in individuals affected with DSP-related disorders in the literature. This variant has not been identified in the general population by the Genome Aggregation Database (gnomAD). The available evidence is insufficient to determine the role of this variant in disease conclusively. Therefore, this variant is classified as a Variant of Uncertain Significance.